The following is an entry in ClinVar:

ClinVar aggregate classification (germline): Likely benign. Review status: criteria provided, multiple submitters, no conflicts (2 of 4 stars). 2 submissions from 2 submitters: Likely benign (2). Last evaluated 2025-11-21.

Conditions:
Epidermolysis bullosa simplex, Ogna type (EBS5A). Also called: Pidermolysis bullosa simplex 5A, Ogna type; EPIDERMOLYSIS BULLOSA SIMPLEX 5A, OGNA TYPE. Identifiers: Orphanet 79401, MedGen C0432317, MONDO:0007555, OMIM 131950.
Epidermolysis bullosa simplex with nail dystrophy (EBS5D). Identifiers: MedGen C4225309, MONDO:0014661, OMIM 616487.
Autosomal recessive limb-girdle muscular dystrophy type 2Q (LGMDR17). Also called: MUSCULAR DYSTROPHY, LIMB-GIRDLE, AUTOSOMAL RECESSIVE 17. Identifiers: Orphanet 254361, MedGen C3150989, MONDO:0013390, OMIM 613723.
Epidermolysis bullosa simplex 5B, with muscular dystrophy (EBS5B). Also called: EPIDERMOLYSIS BULLOSA SIMPLEX AND LIMB-GIRDLE MUSCULAR DYSTROPHY; Epidermolysis bullosa simplex with muscular dystrophy. Identifiers: Orphanet 257, MedGen C2931072, MONDO:0009181, OMIM 226670.
Epidermolysis bullosa simplex 5C, with pyloric atresia (EBS5C). Also called: Epidermolysis bullosa simplex with pyloric atresia; PLEC1-Related Epidermolysis Bullosa with Pyloric Atresia; PLEC-Related Epidermolysis Bullosa with Pyloric Atresia. Identifiers: Orphanet 158684, MedGen C2677349, MONDO:0012807, OMIM 612138.
PLEC-related disorder. Also called: PLEC-related condition; PLEC-related disorders.

Allele frequency attached by ClinVar (database versions not stated): ExAC 0.00001.
gnomAD v4.1: 16 of 1,613,440 alleles (0.00099%); highest among the groups gnomAD compares: Admixed American, 0.005%; no homozygotes.

Submissions (2):

PreventionGenetics, part of Exact Sciences
Classification: Likely benign for PLEC-related condition. Last evaluated: 2025-11-21. Review status: criteria provided, single submitter. Criteria: ACMG Guidelines, 2015. Collection method: clinical testing. Allele origin: germline.
Comment: This variant is classified as likely benign based on ACMG/AMP sequence variant interpretation guidelines (Richards et al. 2015 PMID: 25741868, with internal and published modifications).

Labcorp Genetics (formerly Invitae), Labcorp
Classification: Likely benign for Autosomal recessive limb-girdle muscular dystrophy type 2Q; Epidermolysis bullosa simplex, Ogna type; Epidermolysis bullosa simplex with nail dystrophy; Epidermolysis bullosa simplex 5C, with pyloric atresia; Epidermolysis bullosa simplex 5B, with muscular dystrophy. Last evaluated: 2024-06-19. Review status: criteria provided, single submitter. Criteria: Invitae Variant Classification Sherloc (09022015). Collection method: clinical testing. Allele origin: germline.

NM_201384.3(PLEC):c.7288C>T (p.Leu2430=)

Gene: PLEC (plectin; minus strand). Cytogenetic location: 8q24.3.
Variant type: single nucleotide variant.
Coding change: c.7288C>T on transcript NM_201384.3 (MANE Select); coding-DNA position 7288, C replaced by T.
Protein change: p.Leu2430=; no amino-acid change (leucine 2430 retained).
Molecular consequence: synonymous variant.
Genome position (GRCh38, 1-based): chr8:143,922,641, G>A on the plus strand (C>T on the coding strand, the complement: PLEC is on the minus strand). VCF-style: chr8-143922641-G-A. GRCh37 (hg19) VCF-style: chr8-144996809-G-A.
Other names: c.7369C>T, p.Leu2457= (NM_000445.5); c.7246C>T, p.Leu2416= (NM_201378.4); c.7222C>T, p.Leu2408= (NM_201379.3); c.7699C>T, p.Leu2567= (NM_201380.4); c.7192C>T, p.Leu2398= (NM_201381.3); c.7288C>T, p.Leu2430= (NM_201382.4); c.7300C>T, p.Leu2434= (NM_201383.3); c.7369C>T (NM_000445.4).
Identifiers: ClinVar variation 1586643 (VCV001586643.9), dbSNP rs782252125, ClinGen allele CA4925702.